The following is an entry in ClinVar:

ClinVar aggregate classification (germline): Uncertain significance (1 of 4 stars; one submission).

Allele frequency attached by ClinVar (database versions not stated): gnomAD exomes below 0.00001; ExAC 0.00001.
gnomAD v4.1: 2 of 1,613,408 alleles (0.00012%); highest among the groups gnomAD compares: Non-Finnish European, 0.000085%; no homozygotes.

Submission:

Ambry Genetics
Classification: Uncertain significance. Last evaluated: 2023-01-27. Review status: criteria provided, single submitter. Criteria: Ambry Variant Classification Scheme 2023. Collection method: clinical testing. Allele origin: germline.
Comment: The p.A1003G variant (also known as c.3008C>G) is located in coding exon 17 of the PALLD gene. The alanine at codon 1003 is replaced by glycine, an amino acid with similar properties. This change occurs in the first base pair of coding exon 17. This amino acid position is conserved. In addition, the in silico prediction for this alteration is inconclusive. Since supporting evidence is limited at this time, the clinical significance of this alteration remains unclear.

NM_001166108.2(PALLD):c.3059C>G (p.Ala1020Gly)

Genes: CBR4 (carbonyl reductase 4; minus strand), PALLD (palladin, cytoskeletal associated protein; plus strand). Cytogenetic location: 4q32.3.
Variant type: single nucleotide variant.
Coding change: c.3059C>G on transcript NM_001166108.2 (MANE Select); coding-DNA position 3059, C replaced by G.
Protein change: p.Ala1020Gly; replaces alanine 1020 with glycine.
Molecular consequence: missense variant.
Genome position (GRCh38, 1-based): chr4:168,924,255, C>G. VCF-style: chr4-168924255-C-G. GRCh37 (hg19) VCF-style: chr4-169845406-C-G.
Other names: c.1862C>G, p.Ala621Gly (NM_001166109.2); c.1547C>G, p.Ala516Gly (NM_001166110.2); c.887C>G, p.Ala296Gly (NM_001367567.1, NM_001367569.1); c.938C>G, p.Ala313Gly (NM_001367568.1, NM_001367570.1); c.3008C>G, p.Ala1003Gly (NM_016081.4); short protein forms A1020G, A313G, A516G, A621G, A1003G, A296G.
Identifiers: ClinVar variation 2496996 (VCV002496996.2), dbSNP rs770169972, ClinGen allele CA3136036.